The following is an entry in ClinVar:

NM_005751.5(AKAP9):c.1742C>A (p.Ser581Tyr)

Gene: AKAP9 (A-kinase anchoring protein 9; plus strand). Cytogenetic location: 7q21.2.
Variant type: single nucleotide variant.
Coding change: c.1742C>A on transcript NM_005751.5 (MANE Select); coding-DNA position 1742, C replaced by A.
Protein change: p.Ser581Tyr; replaces serine 581 with tyrosine.
Molecular consequence: missense variant.
Genome position (GRCh38, 1-based): chr7:92,001,659, C>A. VCF-style: chr7-92001659-C-A. GRCh37 (hg19) VCF-style: chr7-91630973-C-A.
Other names: c.1742C>A, p.Ser581Tyr (NM_147185.3); short protein forms S581Y.
Identifiers: ClinVar variation 191384 (VCV000191384.1), dbSNP rs786205260, ClinGen allele CA236476.
Genomic context (GRCh38, chr7:92,001,659, plus strand): 5'-CACATAAGTCCCTTAGTACAGTGGAAGATTTGAAAGCTGAGATTGTTTCTGCATCTGAAT[C>A]CAGAAAGGAACTAGAATTAAAACATGAAGCAGAAGTTACAAATTACAAGATAAAACTTGA-3'
Protein context (NP_005742.4, residues 571-591): LKAEIVSASE[Ser581Tyr]RKELELKHEA

ClinVar aggregate classification (germline): Uncertain significance (1 of 4 stars; one submission).

Submission:

Biesecker Lab/Clinical Genomics Section, National Institutes of Health
Classification: Uncertain significance. Last evaluated: 2013-06-24. Review status: criteria provided, single submitter. Criteria: Ng et al. (Circ Cardiovasc Genet. 2013). Collection method: research. Allele origin: unknown. Observed: 1 variant allele. Study: ClinSeq.
Comment: The study set was not selected for affection status in relation to any cancer. Pathogenicity categories were based on literature curation. See Pubmed ID:23861362 for details.

Medical sequencing